The following is an entry in ClinVar:

ClinVar aggregate classification (germline): Uncertain significance (1 of 4 stars; one submission).

Submission:

GeneDx
Classification: Uncertain significance. Last evaluated: 2019-07-15. Review status: criteria provided, single submitter. Criteria: GeneDx Variant Classification Process June 2021. Collection method: clinical testing. Allele origin: germline. Affected: yes.
Comment: Not observed in large population cohorts (Lek et al., 2016); In silico analysis, which includes protein predictors and evolutionary conservation, supports a deleterious effect; Has not been previously published as pathogenic or benign to our knowledge

NM_001195553.2(DCX):c.1031G>C (p.Arg344Pro)

Gene: DCX (doublecortin; minus strand). Cytogenetic location: Xq23.
Variant type: single nucleotide variant.
Coding change: c.1031G>C on transcript NM_001195553.2 (MANE Select); coding-DNA position 1031, G replaced by C.
Protein change: p.Arg344Pro; replaces arginine 344 with proline.
Molecular consequence: missense variant. On other transcripts: intron variant (2).
Genome position (GRCh38, 1-based): chrX:111,312,652, C>G on the plus strand (G>C on the coding strand, the complement: DCX is on the minus strand). VCF-style: chrX-111312652-C-G. GRCh37 (hg19) VCF-style: chrX-110555880-C-G.
Other names: c.1259G>C, p.Arg420Pro (NM_000555.3); c.1031G>C, p.Arg344Pro (NM_001369370.1, NM_001369371.1, NM_178152.3); c.1016G>C, p.Arg339Pro (NM_001369372.1, NM_178151.3, NM_178153.3); c.932-10909G>C (NM_001369373.1, NM_001369374.1); short protein forms R339P, R344P, R420P.
Identifiers: ClinVar variation 1302504 (VCV001302504.2), dbSNP rs375993711, ClinGen allele CA414237913.
Genomic context (GRCh38, chrX:111,312,652, plus strand): 5'-TCAGGAAACTGAGTGCAAAGAGGTTTAGTAAGGTATAAGAGACATAATACCTTGTGCTTC[C>G]GGAGGCTGCCAGGACTGGTGGGCGTAGAGATGGGAGACTGCTTAGACTTGGGGGTAGAGA-3'
Protein context (NP_001182482.1, residues 334-354): ISTPTSPGSL[Arg344Pro]KHKVDLYLPL